The following is an entry in ClinVar:

NM_174936.4(PCSK9):c.1947C>T (p.Ala649=)

Gene: PCSK9 (proprotein convertase subtilisin/kexin type 9; plus strand). Cytogenetic location: 1p32.3.
Variant type: single nucleotide variant.
Coding change: c.1947C>T on transcript NM_174936.4 (MANE Select); coding-DNA position 1947, C replaced by T.
Protein change: p.Ala649=; no amino-acid change (alanine 649 retained).
Molecular consequence: synonymous variant. On other transcripts: non-coding transcript variant (8).
Genome position (GRCh38, 1-based): chr1:55,063,452, C>T. VCF-style: chr1-55063452-C-T. GRCh37 (hg19) VCF-style: chr1-55529125-C-T.
Other names: c.2070C>T, p.Ala690= (NM_001407240.1); c.1989C>T, p.Ala663= (NM_001407241.1); c.1950C>T, p.Ala650= (NM_001407242.1); c.1890C>T, p.Ala630= (NM_001407243.1); c.1773C>T, p.Ala591= (NM_001407244.1); c.1755C>T, p.Ala585= (NM_001407245.1); c.1572C>T, p.Ala524= (NM_001407246.1); c.1446C>T, p.Ala482= (NM_001407247.1).
Identifiers: ClinVar variation 921518 (VCV000921518.15), dbSNP rs1316935112, ClinGen allele CA417960645.

ClinVar aggregate classification (germline): Likely benign. Review status: criteria provided, multiple submitters, no conflicts (2 of 4 stars). 5 submissions from 5 submitters: Likely benign (5). Last evaluated 2025-06-25.

Conditions:
Cardiovascular phenotype. Identifiers: MedGen CN230736.
Familial hypercholesterolemia. Also called: Familial hypercholesterolemias; Familial hypercholesterolaemia. Identifiers: MedGen C0020445, MONDO:0005439.
Hypercholesterolemia, autosomal dominant, 3 (FHCL3). Also called: Familial hypercholesterolemia 3; Familial Hypercholesterolemia, Autosomal Dominant, 3; PCSK9-Related Familial Hypercholesterolemia, Autosomal Dominant. Identifiers: MedGen C1863551, MONDO:0011369, OMIM 603776.

Allele frequency attached by ClinVar (database versions not stated): gnomAD exomes 0.00001 and 0.00002; TOPMed 0.00002; gnomAD 0.00003.
gnomAD v4.1: 26 of 1,613,972 alleles (0.0016%); highest among the groups gnomAD compares: East Asian, 0.02%; no homozygotes.

Submissions (5):

Labcorp Genetics (formerly Invitae), Labcorp
Classification: Likely benign for Hypercholesterolemia, autosomal dominant, 3. Last evaluated: 2025-06-25. Review status: criteria provided, single submitter. Criteria: Invitae Variant Classification Sherloc (09022015). Collection method: clinical testing. Allele origin: germline.

All of Us Research Program, National Institutes of Health
Classification: Likely benign for Hypercholesterolemia, autosomal dominant, 3. Last evaluated: 2023-09-05. Review status: criteria provided, single submitter. Criteria: ACMG Guidelines, 2015. Collection method: clinical testing. Allele origin: germline. Inheritance: Autosomal dominant inheritance. Observed: 2 variant alleles, 2 heterozygotes.
Comment: This study involves interpretation of variants in research participants for the purpose of population health screening. Participant phenotype was not available at the time of variant classification. Additional details can be found in publication PMID: 35346344, PMCID: PMC8962531

Ambry Genetics
Classification: Likely benign for Cardiovascular phenotype. Last evaluated: 2022-12-06. Review status: criteria provided, single submitter. Criteria: Ambry Variant Classification Scheme 2023. Collection method: clinical testing. Allele origin: germline.

Women's Health and Genetics/Laboratory Corporation of America, LabCorp
Classification: Likely benign. Last evaluated: 2020-12-12. Review status: criteria provided, single submitter. Criteria: LabCorp Variant Classification Summary - May 2015. Collection method: clinical testing. Allele origin: germline.

Color Diagnostics, LLC DBA Color Health
Classification: Likely benign for Familial hypercholesterolemia. Last evaluated: 2019-09-17. Review status: criteria provided, single submitter. Criteria: ACMG Guidelines, 2015. Collection method: clinical testing. Allele origin: germline.